The following is an entry in ClinVar:

NM_004006.3(DMD):c.*1035A>G

Gene: DMD (dystrophin; minus strand). Cytogenetic location: Xp21.2.
Variant type: single nucleotide variant.
Coding change: c.*1035A>G on transcript NM_004006.3 (MANE Select); 1035 bases downstream of the stop codon, A replaced by G.
Molecular consequence: 3 prime UTR variant.
Genome position (GRCh38, 1-based): chrX:31,120,884, T>C on the plus strand (A>G on the coding strand, the complement: DMD is on the minus strand). VCF-style: chrX-31120884-T-C. GRCh37 (hg19) VCF-style: chrX-31139001-T-C.
Other names: c.*1035A>G (NM_000109.4, NM_004009.3, NM_004010.3 and 7 more transcripts); c.*949A>G (NM_004016.3, NM_004018.3, NM_004021.3 and 2 more transcripts).
Identifiers: ClinVar variation 913517 (VCV000913517.4), dbSNP rs112754560, ClinGen allele CA328400612.

ClinVar aggregate classification (germline): Likely benign (1 of 4 stars; one submission).

Conditions:
Dilated cardiomyopathy 3B (CMD3B). Also called: CMD3B: DMD-Related Dilated Cardiomyopathy; CARDIOMYOPATHY, DILATED, X-LINKED; DMD-Associated Dilated Cardiomyopathy. Identifiers: Orphanet 154, MedGen C3668940, MONDO:0010542, OMIM 302045.

Allele frequency attached by ClinVar (database versions not stated): gnomAD 0.00035 and 0.00037; 1000 Genomes Project 0.00609.

Submission:

Illumina Laboratory Services, Illumina
Classification: Likely benign for Dilated cardiomyopathy 3B. Last evaluated: 2018-01-12. Review status: criteria provided, single submitter. Criteria: ICSL Variant Classification Criteria 13 December 2019. Collection method: clinical testing. Allele origin: germline.
Comment: This variant was observed in the ICSL laboratory as part of a predisposition screen in an ostensibly healthy population. It had not been previously curated by ICSL or reported in the Human Gene Mutation Database (HGMD: prior to June 1st, 2018), and was therefore a candidate for classification through an automated scoring system. Utilizing variant allele frequency, disease prevalence and penetrance estimates, and inheritance mode, an automated score was calculated to assess if this variant is too frequent to cause the disease. Based on the score and internal cut-off values, a variant classified as likely benign is not then subjected to further curation. The score for this variant resulted in a classification of likely benign for this disease.